The following is an entry in ClinVar:

ClinVar aggregate classification (germline): Pathogenic (1 of 4 stars; one submission).

Conditions:
Familial adenomatous polyposis 1 (FAP1). Also called: FAMILIAL ADENOMATOUS POLYPOSIS 1, ATTENUATED; POLYPOSIS, ADENOMATOUS INTESTINAL. Identifiers: MedGen C2713442, MONDO:0021056, OMIM 175100. Disease mechanism: loss of function.

Submission:

Myriad Genetics, Inc.
Classification: Pathogenic for Familial adenomatous polyposis 1. Last evaluated: 2023-04-27. Review status: criteria provided, single submitter. Criteria: Myriad Autosomal Dominant, Autosomal Recessive and X-Linked Classification Criteria (2023). Collection method: clinical testing. Allele origin: unknown.
Comment: This variant is considered pathogenic. This variant creates a frameshift predicted to result in premature protein truncation.

NM_000038.6(APC):c.642del (p.Gln215fs)

Gene: APC (APC regulator of Wnt signaling pathway; plus strand). Cytogenetic location: 5q22.2.
Variant type: Deletion.
Coding change: c.642del on transcript NM_000038.6 (MANE Select); coding-DNA position 642, one base deleted (A; older notation c.642delA).
Protein change: p.Gln215fs; shifts the reading frame from glutamine 215.
Molecular consequence: frameshift variant. On other transcripts: 5 prime UTR variant (4), non-coding transcript variant (2).
Genome position (GRCh38, 1-based): chr5:112,780,900, A deleted. VCF-style (leftmost placement, unchanged base first): chr5-112780899-CA-C. GRCh37 (hg19) VCF-style: chr5-112116596-CA-C.
Other names: c.642del, p.Gln215fs (NM_001407458.1, NM_001407459.1, NM_001407460.1 and 16 more transcripts); c.-394del (NM_001407470.1, NM_001407471.1, NM_001407472.1 and 1 more transcripts); c.672del, p.Gln225fs (NM_001127511.3, NM_001354897.2, NM_001354902.2 and 1 more transcripts); c.567del, p.Gln190fs (NM_001354898.2, NM_001354904.2, NM_001407451.1); c.465del, p.Gln156fs (NM_001354900.2, NM_001354901.2, NM_001354905.2 and 1 more transcripts); short protein forms Q156fs, Q190fs, Q215fs, Q225fs.
Identifiers: ClinVar variation 2584135 (VCV002584135.1), dbSNP rs2532490930, ClinGen allele CA2582341604.